The following is an entry in ClinVar:

NM_001148.6(ANK2):c.2164G>C (p.Asp722His)

Gene: ANK2 (ankyrin 2; plus strand). Cytogenetic location: 4q26.
Variant type: single nucleotide variant.
Coding change: c.2164G>C on transcript NM_001148.6 (MANE Select); coding-DNA position 2164, G replaced by C.
Protein change: p.Asp722His; replaces aspartic acid 722 with histidine.
Molecular consequence: missense variant.
Genome position (GRCh38, 1-based): chr4:113,287,689, G>C. VCF-style: chr4-113287689-G-C. GRCh37 (hg19) VCF-style: chr4-114208845-G-C.
Other names: c.2101G>C, p.Asp701His (NM_001127493.3, NM_001354252.2, NM_001354254.2 and 10 more transcripts); c.2164G>C, p.Asp722His (NM_001354225.2, NM_001354228.2, NM_001354232.2 and 6 more transcripts); c.2209G>C, p.Asp737His (NM_001354230.2, NM_001354231.2, NM_001386144.1 and 5 more transcripts); c.2077G>C, p.Asp693His (NM_001354249.2, NM_001354274.2, NM_001354276.2 and 10 more transcripts); c.2002G>C, p.Asp668His (NM_001354253.2, NM_001354257.2, NM_001354270.2 and 1 more transcripts); c.1978G>C, p.Asp660His (NM_001354260.2, NM_001354271.2, NM_001386151.1); c.1966G>C, p.Asp656His (NM_001354273.2); c.1879G>C, p.Asp627His (NM_001354277.2, NM_001386157.1); and 8 more; short protein forms D722H, D731H, D668H, D693H, D710H, D718H, D739H, D708H.
Identifiers: ClinVar variation 3718948 (VCV003718948.2).

ClinVar aggregate classification (germline): Uncertain significance (1 of 4 stars; one submission).

Conditions:
Long QT syndrome (LQTS). Identifiers: MedGen C0023976, MeSH D008133, MONDO:0002442. Disease mechanism: loss of function. Inheritance: Various modes of inheritance.

Submission:

Labcorp Genetics (formerly Invitae), Labcorp
Classification: Uncertain significance for Long QT syndrome. Last evaluated: 2024-11-13. Review status: criteria provided, single submitter. Criteria: Invitae Variant Classification Sherloc (09022015). Collection method: clinical testing. Allele origin: germline.
Comment: This sequence change replaces aspartic acid, which is acidic and polar, with histidine, which is basic and polar, at codon 722 of the ANK2 protein (p.Asp722His). This variant is not present in population databases (gnomAD no frequency). This variant has not been reported in the literature in individuals affected with ANK2-related conditions. Invitae Evidence Modeling of protein sequence and biophysical properties (such as structural, functional, and spatial information, amino acid conservation, physicochemical variation, residue mobility, and thermodynamic stability) indicates that this missense variant is not expected to disrupt ANK2 protein function with a negative predictive value of 80%. In summary, the available evidence is currently insufficient to determine the role of this variant in disease. Therefore, it has been classified as a Variant of Uncertain Significance.